The following is an entry in ClinVar:

NM_002739.5(PRKCG):c.2059A>G (p.Ser687Gly)

Gene: PRKCG (protein kinase C gamma; plus strand). Cytogenetic location: 19q13.42.
Variant type: single nucleotide variant.
Coding change: c.2059A>G on transcript NM_002739.5 (MANE Select); coding-DNA position 2059, A replaced by G.
Protein change: p.Ser687Gly; replaces serine 687 with glycine.
Molecular consequence: missense variant.
Genome position (GRCh38, 1-based): chr19:53,906,860, A>G. VCF-style: chr19-53906860-A-G. GRCh37 (hg19) VCF-style: chr19-54410114-A-G.
Other names: p.Ser687Gly; c.2059A>G (LRG_669t1); c.2059A>G, p.Ser687Gly (NM_001316329.2); short protein forms S687G.
Identifiers: ClinVar variation 330072 (VCV000330072.11), dbSNP rs73937614, ClinGen allele CA9640765.

ClinVar aggregate classification (germline): Benign. Review status: criteria provided, multiple submitters, no conflicts (2 of 4 stars). 4 submissions from 4 submitters: Benign (4). Last evaluated 2023-06-09.

Conditions:
Spinocerebellar ataxia type 14 (SCA14). Identifiers: Orphanet 98763, MedGen C1854369, MONDO:0011540, OMIM 605361.

Allele frequency attached by ClinVar (database versions not stated): gnomAD exomes 0.00200; ExAC 0.00266; gnomAD 0.00734 and 0.00778; TOPMed 0.00881; ESP Exome Variant Server 0.00915; 1000 Genomes Project 0.01158; 1000 Genomes Project 30x 0.01171.
gnomAD v4.1: 2,185 of 1,613,544 alleles (0.14%); highest among the groups gnomAD compares: African/African-American, 2.5%; 23 homozygotes.

Submissions (4):

Mayo Clinic Laboratories, Mayo Clinic
Classification: Benign. Last evaluated: 2023-06-09. Review status: criteria provided, single submitter. Criteria: ACMG Guidelines, 2015. Collection method: clinical testing. Allele origin: germline. Observed: 4 variant alleles.
Comment: BS1, BS2, BP4

Labcorp Genetics (formerly Invitae), Labcorp
Classification: Benign. Last evaluated: 2019-12-31. Review status: criteria provided, single submitter. Criteria: Invitae Variant Classification Sherloc (09022015). Collection method: clinical testing. Allele origin: germline.

Illumina Laboratory Services, Illumina
Classification: Benign for Spinocerebellar ataxia type 14. Last evaluated: 2018-01-12. Review status: criteria provided, single submitter. Criteria: ICSL Variant Classification Criteria 13 December 2019. Collection method: clinical testing. Allele origin: germline.
Comment: This variant was observed in the ICSL laboratory as part of a predisposition screen in an ostensibly healthy population. It had not been previously curated by ICSL or reported in the Human Gene Mutation Database (HGMD: prior to June 1st, 2018), and was therefore a candidate for classification through an automated scoring system. Utilizing variant allele frequency, disease prevalence and penetrance estimates, and inheritance mode, an automated score was calculated to assess if this variant is too frequent to cause the disease. Based on the score and internal cut-off values, a variant classified as benign is not then subjected to further curation. The score for this variant resulted in a classification of benign for this disease.

Breakthrough Genomics
Classification: Benign. Review status: criteria provided, single submitter. Criteria: ACMG Guidelines, 2015. Collection method: not provided. Allele origin: germline. Inheritance: Autosomal dominant inheritance. Affected: yes.